The following is an entry in ClinVar:

ClinVar aggregate classification (germline): Uncertain significance. Review status: criteria provided, multiple submitters, no conflicts (2 of 4 stars). 2 submissions from 2 submitters: Uncertain significance (2). Last evaluated 2025-10-15.

Conditions:
Insulin-dependent diabetes mellitus secretory diarrhea syndrome (IPEX). Also called: Immune dysregulation-polyendocrinopathy-enteropathy-X-linked syndrome; Immunodeficiency, Polyendocrinopathy, and Enteropathy X-Linked Syndrome; X-Linked Syndrome of Polyendocrinopathy, Immune Dysfunction, and Diarrhea; IMMUNODEFICIENCY, POLYENDOCRINOPATHY, AND ENTEROPATHY, X-LINKED; Immunodysregulation, polyendocrinopathy, and enteropathy, X-linked; IPEX and IPEX-Like. Identifiers: Orphanet 37042, MedGen C0342288, MONDO:0010580, OMIM 304790. Disease mechanism: loss of function.

gnomAD v4.1: 3 of 1,207,897 alleles (0.00025%); highest among the groups gnomAD compares: Non-Finnish European, 0.00022%; no homozygotes.

Submissions (2):

Labcorp Genetics (formerly Invitae), Labcorp
Classification: Uncertain significance for Insulin-dependent diabetes mellitus secretory diarrhea syndrome. Last evaluated: 2025-10-15. Review status: criteria provided, single submitter. Criteria: Invitae Variant Classification Sherloc (09022015). Collection method: clinical testing. Allele origin: germline.
Comment: This sequence change replaces valine, which is neutral and non-polar, with isoleucine, which is neutral and non-polar, at codon 283 of the FOXP3 protein (p.Val283Ile). The frequency data for this variant in the population databases is considered unreliable, as metrics indicate poor data quality at this position in the gnomAD database. This variant has not been reported in the literature in individuals affected with FOXP3-related conditions. ClinVar contains an entry for this variant (Variation ID: 3598347). Invitae Evidence Modeling of protein sequence and biophysical properties (such as structural, functional, and spatial information, amino acid conservation, physicochemical variation, residue mobility, and thermodynamic stability) indicates that this missense variant is not expected to disrupt FOXP3 protein function with a negative predictive value of 80%. In summary, the available evidence is currently insufficient to determine the role of this variant in disease. Therefore, it has been classified as a Variant of Uncertain Significance.

Fulgent Genetics
Classification: Uncertain significance for Insulin-dependent diabetes mellitus secretory diarrhea syndrome. Last evaluated: 2024-01-07. Review status: criteria provided, single submitter. Criteria: ACMG Guidelines, 2015. Collection method: clinical testing. Allele origin: germline.

NM_014009.4(FOXP3):c.847G>A (p.Val283Ile)

Gene: FOXP3 (forkhead box P3; minus strand). Cytogenetic location: Xp11.23.
Variant type: single nucleotide variant.
Coding change: c.847G>A on transcript NM_014009.4 (MANE Select); coding-DNA position 847, G replaced by A.
Protein change: p.Val283Ile; replaces valine 283 with isoleucine.
Molecular consequence: missense variant.
Genome position (GRCh38, 1-based): chrX:49,254,037, C>T on the plus strand (G>A on the coding strand, the complement: FOXP3 is on the minus strand). VCF-style: chrX-49254037-C-T. GRCh37 (hg19) VCF-style: chrX-49110498-C-T.
Other names: c.742G>A, p.Val248Ile (NM_001114377.2); short protein forms V283I, V248I.
Identifiers: ClinVar variation 3598347 (VCV003598347.2).
Genomic context (GRCh38, chrX:49,254,037, plus strand): 5'-CAGGGGCCTCCCGGGGGCCAGACCAGGCTGGGACGACAGGGCCTTGGCTGCCAGCAGCTA[C>T]GATGCAGCAGGAGCCCTTGTCGGATGATGCCTGGGTGAGGGGGAGAGGCTGGTGACCCAG-3'
Protein context (NP_054728.2, residues 273-293): ASSDKGSCCI[Val283Ile]AAGSQGPVVP